The following is an entry in ClinVar:

NM_015001.3(SPEN):c.404+1167C>T

Gene: SPEN (spen family transcriptional repressor; plus strand). Cytogenetic location: 1p36.21.
Variant type: single nucleotide variant.
Coding change: c.404+1167C>T on transcript NM_015001.3 (MANE Select); 1167 bases into the intron after coding-DNA position 404, C replaced by T.
Molecular consequence: intron variant.
Genome position (GRCh38, 1-based): chr1:15,874,303, C>T. VCF-style: chr1-15874303-C-T. GRCh37 (hg19) VCF-style: chr1-16200798-C-T.
Identifiers: ClinVar variation 2638299 (VCV002638299.24), dbSNP rs537398541, ClinGen allele CA618833.

ClinVar aggregate classification (germline): Likely benign (1 of 4 stars; one submission).

Allele frequency attached by ClinVar (database versions not stated): 1000 Genomes Project 30x 0.00031; gnomAD 0.00036; TOPMed 0.00036; 1000 Genomes Project 0.00040; gnomAD exomes 0.00049; ExAC 0.00075.
gnomAD v4.1: 650 of 1,366,436 alleles (0.048%); highest among the groups gnomAD compares: South Asian, 0.3%; 5 homozygotes.

Submission:

CeGaT Center for Human Genetics Tuebingen
Classification: Likely benign. Last evaluated: 2025-06-01. Review status: criteria provided, single submitter. Criteria: CeGaT Center For Human Genetics Tuebingen Variant Classification Criteria Version 2. Collection method: clinical testing. Allele origin: germline. Affected: yes. Observed: 3 variant alleles.
Comment: SPEN: BS1